The following is an entry in ClinVar:

NM_014780.5(CUL7):c.314C>T (p.Ser105Phe)

Gene: CUL7 (cullin 7; minus strand). Cytogenetic location: 6p21.1.
Variant type: single nucleotide variant.
Coding change: c.314C>T on transcript NM_014780.5 (MANE Select); coding-DNA position 314, C replaced by T.
Protein change: p.Ser105Phe; replaces serine 105 with phenylalanine.
Molecular consequence: missense variant.
Genome position (GRCh38, 1-based): chr6:43,052,475, G>A on the plus strand (C>T on the coding strand, the complement: CUL7 is on the minus strand). VCF-style: chr6-43052475-G-A. GRCh37 (hg19) VCF-style: chr6-43020213-G-A.
Other names: c.314C>T, p.Ser105Phe (NM_001168370.2, NM_001374872.1, NM_001374873.1 and 1 more transcripts); c.314C>T (NM_014780.4); short protein forms S105F.
Identifiers: ClinVar variation 497923 (VCV000497923.12), dbSNP rs755714598, ClinGen allele CA3814416.
Genomic context (GRCh38, chr6:43,052,475, plus strand): 5'-AGCTGCCGAAGGGCTCTCTGAATGAGGGACTTCACGTCGGTTTCCATCTCCTCCAGCACA[G>A]ATTTGTCCAGGGCCCCAACCTCCCCTGCAGACTCCTGGGAGGGCCCGATGACCTGGCCAT-3'
Protein context (NP_055595.2, residues 95-115): SAGEVGALDK[Ser105Phe]VLEEMETDVK

ClinVar aggregate classification (germline): Uncertain significance. Review status: criteria provided, multiple submitters, no conflicts (2 of 4 stars). 4 submissions from 4 submitters: Uncertain significance (4). Last evaluated 2024-05-23.

Conditions:
Inborn genetic diseases. Identifiers: MedGen C0950123, MeSH D030342.

Allele frequency attached by ClinVar (database versions not stated): gnomAD below 0.00001 and 0.00005; TOPMed below 0.00001; gnomAD exomes 0.00002 and 0.00003; ExAC 0.00003.
gnomAD v4.1: 59 of 1,614,208 alleles (0.0037%); highest among the groups gnomAD compares: Middle Eastern, 0.28%; 2 homozygotes.

Submissions (4):

Ambry Genetics
Classification: Uncertain significance for Inborn genetic diseases. Last evaluated: 2024-05-23. Review status: criteria provided, single submitter. Criteria: Ambry Variant Classification Scheme 2023. Collection method: clinical testing. Allele origin: germline.

Labcorp Genetics (formerly Invitae), Labcorp
Classification: Uncertain significance. Last evaluated: 2021-05-14. Review status: criteria provided, single submitter. Criteria: Invitae Variant Classification Sherloc (09022015). Collection method: clinical testing. Allele origin: germline.
Comment: In summary, the available evidence is currently insufficient to determine the role of this variant in disease. Therefore, it has been classified as a Variant of Uncertain Significance. Algorithms developed to predict the effect of missense changes on protein structure and function are either unavailable or do not agree on the potential impact of this missense change (SIFT: "Tolerated"; PolyPhen-2: "Possibly Damaging"; Align-GVGD: "Class C0"). This variant has not been reported in the literature in individuals with CUL7-related conditions. ClinVar contains an entry for this variant (Variation ID: 497923). This variant is present in population databases (rs755714598, ExAC 0.02%). This sequence change replaces serine with phenylalanine at codon 105 of the CUL7 protein (p.Ser105Phe). The serine residue is moderately conserved and there is a large physicochemical difference between serine and phenylalanine.

Eurofins Ntd Llc (ga)
Classification: Uncertain significance. Last evaluated: 2016-11-08. Review status: criteria provided, single submitter. Criteria: EGL Classification Definitions 2015. Collection method: clinical testing. Allele origin: germline. Observed: 1 variant allele, 1 heterozygote.

Breakthrough Genomics
Classification: Uncertain significance. Review status: criteria provided, single submitter. Criteria: ACMG Guidelines, 2015. Collection method: not provided. Allele origin: germline. Inheritance: Autosomal recessive inheritance. Affected: yes.